The following is an entry in ClinVar:

NM_001128178.3(NPHP1):c.522+1G>A

Gene: NPHP1 (nephrocystin 1; minus strand). Cytogenetic location: 2q13.
Variant type: single nucleotide variant.
Coding change: c.522+1G>A on transcript NM_001128178.3 (MANE Select); the canonical splice donor site of the intron after coding-DNA position 522, G replaced by A.
Molecular consequence: splice donor variant.
Genome position (GRCh38, 1-based): chr2:110,169,805, C>T on the plus strand (G>A on the coding strand, the complement: NPHP1 is on the minus strand). VCF-style: chr2-110169805-C-T. GRCh37 (hg19) VCF-style: chr2-110927382-C-T.
Other names: c.522+1G>A (NM_000272.4, NM_001374256.1, NM_001374257.1 and 2 more transcripts); c.336+1G>A (NM_001128179.3).
Identifiers: ClinVar variation 2760352 (VCV002760352.7), dbSNP rs2467403268, ClinGen allele CA348092775.

ClinVar aggregate classification (germline): Likely pathogenic. Review status: criteria provided, multiple submitters, no conflicts (2 of 4 stars). 4 submissions from 4 submitters: Likely pathogenic (4). Last evaluated 2024-04-15.

Conditions:
Nephronophthisis. Also called: Juvenile Nephronophthisis. Identifiers: Orphanet 655, MedGen C0687120, MONDO:0019005, HP:0000090.
Nephronophthisis 1 (NPHP1). Also called: Nephronophthisis familial juvenile. Identifiers: Orphanet 655, Orphanet 93592, MedGen C1855681, MONDO:0009728, OMIM 256100.
Senior-Loken syndrome 1 (SLSN1). Also called: JUVENILE NEPHRONOPHTHISIS WITH LEBER AMAUROSIS. Identifiers: Orphanet 3156, MedGen C4551559, MONDO:0009962, OMIM 266900.
Joubert syndrome with renal defect. Also called: JOUBERT SYNDROME 4. Identifiers: Orphanet 220497, MedGen C1846790, MONDO:0012308, OMIM 609583.
NPHP1-related disorder. Also called: NPHP1-related disorders; NPHP1-related condition.

gnomAD v4.1: 1 of 1,606,562 alleles (0.000062%); no homozygotes.

Submissions (4):

Fulgent Genetics
Classification: Likely pathogenic for Nephronophthisis 1; Senior-Loken syndrome 1; Joubert syndrome with renal defect. Last evaluated: 2024-04-15. Review status: criteria provided, single submitter. Criteria: ACMG Guidelines, 2015. Collection method: clinical testing. Allele origin: germline.

Women's Health and Genetics/Laboratory Corporation of America, LabCorp
Classification: Likely pathogenic for NPHP1-Related Disorders. Last evaluated: 2024-03-26. Review status: criteria provided, single submitter. Criteria: LabCorp Variant Classification Summary - May 2015. Collection method: clinical testing. Allele origin: germline.
Comment: Variant summary: NPHP1 c.522+1G>A is located in a canonical splice-site and is predicted to affect mRNA splicing resulting in a significantly altered protein due to either exon skipping, shortening, or inclusion of intronic material. Several computational tools predict a significant impact on normal splicing: Four predict the variant abolishes a 5' splicing donor site. However, these predictions have yet to be confirmed by functional studies. The variant was absent in 248382 control chromosomes (gnomAD). To our knowledge, no occurrence of c.522+1G>A in individuals affected with NPHP1-Related Disorders and no experimental evidence demonstrating its impact on protein function have been reported. ClinVar contains an entry for this variant (Variation ID: 2760352). Based on the evidence outlined above, the variant was classified as likely pathogenic.

Labcorp Genetics (formerly Invitae), Labcorp
Classification: Likely pathogenic for Nephronophthisis. Last evaluated: 2023-06-15. Review status: criteria provided, single submitter. Criteria: Invitae Variant Classification Sherloc (09022015). Collection method: clinical testing. Allele origin: germline.
Comment: This variant is not present in population databases (gnomAD no frequency). In summary, the currently available evidence indicates that the variant is pathogenic, but additional data are needed to prove that conclusively. Therefore, this variant has been classified as Likely Pathogenic. Algorithms developed to predict the effect of sequence changes on RNA splicing suggest that this variant may disrupt the consensus splice site. This variant has not been reported in the literature in individuals affected with NPHP1-related conditions. This sequence change affects a donor splice site in intron 5 of the NPHP1 gene. It is expected to disrupt RNA splicing. Variants that disrupt the donor or acceptor splice site typically lead to a loss of protein function (PMID: 16199547), and loss-of-function variants in NPHP1 are known to be pathogenic (PMID: 23559409).

Blueprint Genetics
Classification: Likely pathogenic for NPHP1-related disorders. Last evaluated: 2023-04-12. Review status: criteria provided, single submitter. Criteria: ACMG Guidelines, 2015. Collection method: clinical testing. Allele origin: germline. Affected: yes. Observed: 1 variant allele.

Literature cited by the submitters: PubMed 16199547 (cited by Labcorp Genetics (formerly Invitae), Labcorp); PubMed 23559409 (cited by Labcorp Genetics (formerly Invitae), Labcorp).